The following is an entry in ClinVar:

ClinVar aggregate classification (germline): Uncertain significance (1 of 4 stars; one submission).

Conditions:
Cohen syndrome (COH1). Also called: PEPPER SYNDROME; Cutis verticis gyrata, retinitis pigmentosa, and sensorineural deafness. Identifiers: Orphanet 193, MedGen C0265223, MONDO:0008999, OMIM 216550.

Allele frequency attached by ClinVar (database versions not stated): gnomAD exomes below 0.00001 and 0.00001.
gnomAD v4.1: 3 of 1,426,308 alleles (0.00021%); highest among the groups gnomAD compares: East Asian, 0.0035%; no homozygotes.

Submission:

Labcorp Genetics (formerly Invitae), Labcorp
Classification: Uncertain significance for Cohen syndrome. Last evaluated: 2020-12-28. Review status: criteria provided, single submitter. Criteria: Invitae Variant Classification Sherloc (09022015). Collection method: clinical testing. Allele origin: germline.
Comment: In summary, the available evidence is currently insufficient to determine the role of this variant in disease. Therefore, it has been classified as a Variant of Uncertain Significance. Nucleotide substitutions within the consensus splice site are a relatively common cause of aberrant splicing (PMID: 17576681, 9536098). Algorithms developed to predict the effect of sequence changes on RNA splicing suggest that this variant may disrupt the consensus splice site, but this prediction has not been confirmed by published transcriptional studies. This variant has not been reported in the literature in individuals with VPS13B-related conditions. This variant is not present in population databases (ExAC no frequency). This sequence change falls in intron 47 of the VPS13B gene. It does not directly change the encoded amino acid sequence of the VPS13B protein. It affects a nucleotide within the consensus splice site of the intron.

Literature cited by the submitters: PubMed 17576681; PubMed 9536098.

NM_152564.5(VPS13B):c.8621+4C>G

Gene: VPS13B (vacuolar protein sorting 13 homolog B; plus strand). Cytogenetic location: 8q22.2.
Variant type: single nucleotide variant.
Coding change: c.8621+4C>G on transcript NM_152564.5 (MANE Select); 4 bases into the intron after coding-DNA position 8621, C replaced by G.
Molecular consequence: intron variant.
Genome position (GRCh38, 1-based): chr8:99,818,892, C>G. VCF-style: chr8-99818892-C-G. GRCh37 (hg19) VCF-style: chr8-100831120-C-G.
Other names: c.8696+4C>G (NM_017890.5).
Identifiers: ClinVar variation 1488666 (VCV001488666.4), dbSNP rs1563489649, ClinGen allele CA2573143488.
Genomic context (GRCh38, chr8:99,818,892, plus strand): 5'-AAAACCACTGCAAAACATAGAACCTGACCTTGTACATCACCTGACATTCCAAGCAAGGTA[C>G]TAGAAAAATCCTTCCATACATTTTACATTTTCCTAGGAGAAATTAAGTAGAAAAGTAACC-3'